The following is an entry in ClinVar:

ClinVar aggregate classification (germline): Uncertain significance. Review status: criteria provided, single submitter (1 of 4 stars). 2 submissions from 2 submitters: Uncertain significance (1). 1 of the submissions does not count toward it. Last evaluated 2025-08-11.

Conditions:
Cyclical neutropenia. Also called: Cyclic hematopoiesis; Cyclic Neutropenia. Identifiers: Orphanet 2686, MedGen C0221023, MONDO:0008090, OMIM 162800, HP:0040289. Disease mechanism: loss of function.
Neutropenia, severe congenital, 1, autosomal dominant. Identifiers: MedGen C1859966, MONDO:0042490, OMIM 202700.

Allele frequency attached by ClinVar (database versions not stated): TOPMed below 0.00001; gnomAD 0.00001.

Submissions (2):

Labcorp Genetics (formerly Invitae), Labcorp
Classification: Uncertain significance for Neutropenia, severe congenital, 1, autosomal dominant; Cyclical neutropenia. Last evaluated: 2025-08-11. Review status: criteria provided, single submitter. Criteria: Invitae Variant Classification Sherloc (09022015). Collection method: clinical testing. Allele origin: germline.
Comment: This sequence change replaces valine, which is neutral and non-polar, with methionine, which is neutral and non-polar, at codon 72 of the ELANE protein (p.Val72Met). This variant is not present in population databases (gnomAD no frequency). This variant has not been reported in the literature in individuals affected with ELANE-related conditions. ClinVar contains an entry for this variant (Variation ID: 16744). Invitae Evidence Modeling of protein sequence and biophysical properties (such as structural, functional, and spatial information, amino acid conservation, physicochemical variation, residue mobility, and thermodynamic stability) indicates that this missense variant is not expected to disrupt ELANE protein function with a negative predictive value of 95%. Experimental studies have shown that this missense change affects ELANE function (PMID: 11278653). This variant disrupts the p.Val72 amino acid residue in ELANE. Other variant(s) that disrupt this residue have been observed in individuals with ELANE-related conditions (PMID: 22510773, 23463630), which suggests that this may be a clinically significant amino acid residue. In summary, the available evidence is currently insufficient to determine the role of this variant in disease. Therefore, it has been classified as a Variant of Uncertain Significance.

OMIM
Classification: Pathogenic for NEUTROPENIA, SEVERE CONGENITAL, 1, AUTOSOMAL DOMINANT. Last evaluated: 2000-10-01. Review status: no assertion criteria provided. Collection method: literature only. Allele origin: germline. Not counted in ClinVar's aggregate classification.

Literature cited by the submitters: PubMed 11278653 (cited by Labcorp Genetics (formerly Invitae), Labcorp); PubMed 22510773 (cited by Labcorp Genetics (formerly Invitae), Labcorp); PubMed 23463630 (cited by Labcorp Genetics (formerly Invitae), Labcorp); PubMed 11001877 (cited by OMIM).

NM_001972.4(ELANE):c.214G>A (p.Val72Met)

Gene: ELANE (elastase, neutrophil expressed; plus strand). Cytogenetic location: 19p13.3.
Variant type: single nucleotide variant.
Coding change: c.214G>A on transcript NM_001972.4 (MANE Select); coding-DNA position 214, G replaced by A.
Protein change: p.Val72Met; replaces valine 72 with methionine.
Molecular consequence: missense variant.
Genome position (GRCh38, 1-based): chr19:853,022, G>A. VCF-style: chr19-853022-G-A. GRCh37 (hg19) VCF-style: chr19-853022-G-A.
Other names: short protein forms V72M.
Identifiers: ClinVar variation 16744 (VCV000016744.4), dbSNP rs387906553, ClinGen allele CA281052.